The following is an entry in ClinVar:

NM_001220.5(CAMK2B):c.1457del (p.Leu486fs)

Gene: CAMK2B (calcium/calmodulin dependent protein kinase II beta; minus strand). Cytogenetic location: 7p13.
Variant type: Deletion.
Coding change: c.1457del on transcript NM_001220.5 (MANE Select); coding-DNA position 1457, one base deleted (T; older notation c.1457delT).
Protein change: p.Leu486fs; shifts the reading frame from leucine 486.
Molecular consequence: frameshift variant. On other transcripts: intron variant (8).
Genome position (GRCh38, 1-based): chr7:44,228,807, A deleted on the plus strand (T on the coding strand, the reverse complement: CAMK2B is on the minus strand). VCF-style (leftmost placement, unchanged base first): chr7-44228806-CA-C. GRCh37 (hg19) VCF-style: chr7-44268405-CA-C.
Other names: c.947-7906del (NM_172084.3); c.1150+2199del (NM_172080.3); c.1036+2199del (NM_172083.3); c.1108+2199del (NM_172081.3); c.1153+2199del (NM_172079.3, NM_172082.3); c.1225+2199del (NM_001293170.2, NM_172078.3); short protein forms L486fs.
Identifiers: ClinVar variation 5007212 (VCV005007212.2).

ClinVar aggregate classification (germline): Uncertain significance (1 of 4 stars; one submission).

Conditions:
Intellectual developmental disorder, autosomal dominant 54. Also called: Intellectual disability, autosomal dominant 54; MENTAL RETARDATION, AUTOSOMAL DOMINANT 54. Identifiers: MedGen C4540484, MONDO:0030920, OMIM 617799.

Submission:

Juno Genomics, Hangzhou Juno Genomics, Inc
Classification: Uncertain significance for Intellectual developmental disorder, autosomal dominant 54. Review status: criteria provided, single submitter. Criteria: ACMG Guidelines, 2015. Collection method: clinical testing. Allele origin: germline.
Comment: Absent from controls (or at extremely low frequency if recessive) in Genome Aggregation Database.